The following is an entry in ClinVar:

ClinVar aggregate classification (germline): Uncertain significance (1 of 4 stars; one submission).

Allele frequency attached by ClinVar (database versions not stated): TOPMed below 0.00001; gnomAD 0.00001; gnomAD exomes 0.00001.

Submission:

Labcorp Genetics (formerly Invitae), Labcorp
Classification: Uncertain significance. Last evaluated: 2021-12-02. Review status: criteria provided, single submitter. Criteria: Invitae Variant Classification Sherloc (09022015). Collection method: clinical testing. Allele origin: germline.
Comment: This sequence change replaces alanine, which is neutral and non-polar, with serine, which is neutral and polar, at codon 14 of the SLC25A1 protein (p.Ala14Ser). This variant is not present in population databases (gnomAD no frequency). This variant has not been reported in the literature in individuals affected with SLC25A1-related conditions. Algorithms developed to predict the effect of missense changes on protein structure and function are either unavailable or do not agree on the potential impact of this missense change (SIFT: "Tolerated"; PolyPhen-2: "Not Available"; Align-GVGD: "Class C0"). In summary, the available evidence is currently insufficient to determine the role of this variant in disease. Therefore, it has been classified as a Variant of Uncertain Significance.

NM_005984.5(SLC25A1):c.40G>T (p.Ala14Ser)

Gene: SLC25A1 (solute carrier family 25 member 1; minus strand). Cytogenetic location: 22q11.21.
Variant type: single nucleotide variant.
Coding change: c.40G>T on transcript NM_005984.5 (MANE Select); coding-DNA position 40, G replaced by T.
Protein change: p.Ala14Ser; replaces alanine 14 with serine.
Molecular consequence: missense variant. On other transcripts: non-coding transcript variant (1).
Genome position (GRCh38, 1-based): chr22:19,178,634, C>A on the plus strand (G>T on the coding strand, the complement: SLC25A1 is on the minus strand). VCF-style: chr22-19178634-C-A. GRCh37 (hg19) VCF-style: chr22-19166147-C-A.
Other names: short protein forms A14S.
Identifiers: ClinVar variation 1434490 (VCV001434490.5), dbSNP rs2084012879, ClinGen allele CA410644459.